The following is an entry in ClinVar:

NM_001080414.4(CCDC88C):c.5327_5343del (p.Ser1776fs)

Gene: CCDC88C (coiled-coil and HOOK domain protein 88C; minus strand). Cytogenetic location: 14q32.11.
Variant type: Deletion.
Coding change: c.5327_5343del on transcript NM_001080414.4 (MANE Select); coding-DNA positions 5327 to 5343, 17 bases deleted (GCCTGTCTCTGGGCAGA).
Protein change: p.Ser1776fs; shifts the reading frame from serine 1776.
Molecular consequence: frameshift variant. On other transcripts: non-coding transcript variant (2).
Genome position (GRCh38, 1-based): chr14:91,273,369-91,273,385, TCTGCCCAGAGACAGGC deleted on the plus strand (GCCTGTCTCTGGGCAGA on the coding strand, the reverse complement: CCDC88C is on the minus strand); deleting any 17 consecutive bases within chr14:91,273,369-91,273,389 gives the same sequence; the c. name uses the placement nearest the transcript's 3' end. VCF-style (leftmost placement, unchanged base first): chr14-91273368-GTCTGCCCAGAGACAGGC-G. GRCh37 (hg19) VCF-style: chr14-91739712-GTCTGCCCAGAGACAGGC-G.
Other names: short protein forms S1776fs.
Identifiers: ClinVar variation 5004285 (VCV005004285.1).
Genomic context (GRCh38, chr14:91,273,368, plus strand): 5'-TCAAGGAGGCACTGCGGCTGGCAGGTGCATGGGAAGCTGGGGGCACCGGAGCCTGCCGGG[GTCTGCCCAGAGACAGGC>G]TCTGGGGAGGCTGGGCCTGTCTCGGGGCCACGCTGGGTGGGGCCTCGGCCTCAGTCAGTC-3'

ClinVar aggregate classification (germline): Pathogenic (1 of 4 stars; one submission).

Conditions:
Hydrocephalus, nonsyndromic, autosomal recessive 1 (HYC1). Also called: Hydrocephalus, nonsyndromic, autosomal recessive; Congenital hydrocephalus 1. Identifiers: Orphanet 2185, MedGen C3887608, MONDO:0009360, OMIM 236600.

Submission:

Myriad Genetics, Inc.
Classification: Pathogenic for Hydrocephalus, nonsyndromic, autosomal recessive 1. Last evaluated: 2025-11-17. Review status: criteria provided, single submitter. Criteria: Myriad Autosomal Dominant, Autosomal Recessive and X-Linked Classification Criteria (2023). Collection method: clinical testing. Allele origin: unknown.
Comment: NM_001080414.3(CCDC88C):c.5327_5343del17(S1776Tfs*30) is a frameshift variant classified as pathogenic in the context of congenital hydrocephalus, CCDC88C-related. S1776Tfs*30 has not been observed in cases with relevant disease. Relevant functional assessments of this variant are not available in the literature. S1776Tfs*30 has not been observed in referenced population frequency databases. In summary, NM_001080414.3(CCDC88C):c.5327_5343del17(S1776Tfs*30) is a frameshift variant in a gene where loss of function is a known mechanism of disease and is predicted to disrupt protein function. Please note: this variant was assessed in the context of healthy population screening.